The following is an entry in ClinVar:

ClinVar aggregate classification (germline): Benign. Review status: criteria provided, multiple submitters, no conflicts (2 of 4 stars). 3 submissions from 3 submitters: Benign (2). 1 of the submissions does not count toward it. Last evaluated 2018-06-14.

Allele frequency attached by ClinVar (database versions not stated): TOPMed 0.30466; gnomAD 0.31432 and 0.31512; 1000 Genomes Project 0.27596; gnomAD exomes 0.36498; 1000 Genomes Project 30x 0.26983.

Submissions (3):

GeneDx
Classification: Benign. Last evaluated: 2018-06-14. Review status: criteria provided, single submitter. Criteria: GeneDx Variant Classification (06012015). Collection method: clinical testing. Allele origin: germline. Affected: yes.
Comment: This variant is considered likely benign or benign based on one or more of the following criteria: it is a conservative change, it occurs at a poorly conserved position in the protein, it is predicted to be benign by multiple in silico algorithms, and/or has population frequency not consistent with disease.

Breakthrough Genomics
Classification: Benign. Review status: criteria provided, single submitter. Criteria: ACMG Guidelines, 2015. Collection method: not provided. Allele origin: germline. Inheritance: Autosomal recessive inheritance. Affected: yes.

Mayo Clinic Laboratories, Mayo Clinic
Classification: Benign. Last evaluated: 2016-02-15. Review status: no assertion criteria provided. Collection method: clinical testing. Allele origin: unknown. Not counted in ClinVar's aggregate classification.

NM_000108.3(DLD):c.-417A>T

Gene: DLD (dihydrolipoamide dehydrogenase; plus strand). Cytogenetic location: 7q31.1.
Variant type: single nucleotide variant.
Coding change: c.-417A>T on transcript NM_000108.3; 417 bases upstream of the start codon, A replaced by T.
Genome position (GRCh38, 1-based): chr7:107,890,834, A>T. VCF-style: chr7-107890834-A-T. GRCh37 (hg19) VCF-style: chr7-107531279-A-T.
Identifiers: ClinVar variation 559300 (VCV000559300.9), dbSNP rs6943999, ClinGen allele CA12518291.